The following is an entry in ClinVar:

NM_000038.6(APC):c.293G>A (p.Ser98Asn)

Gene: APC (APC regulator of Wnt signaling pathway; plus strand). Cytogenetic location: 5q22.2.
Variant type: single nucleotide variant.
Coding change: c.293G>A on transcript NM_000038.6 (MANE Select); coding-DNA position 293, G replaced by A.
Protein change: p.Ser98Asn; replaces serine 98 with asparagine.
Molecular consequence: missense variant. On other transcripts: 5 prime UTR variant (1).
Genome position (GRCh38, 1-based): chr5:112,767,261, G>A. VCF-style: chr5-112767261-G-A. GRCh37 (hg19) VCF-style: chr5-112102958-G-A.
Other names: c.293G>A, p.Ser98Asn (NM_001127510.3, NM_001354895.2, NM_001354896.2 and 16 more transcripts); c.323G>A, p.Ser108Asn (NM_001127511.3, NM_001354897.2, NM_001354902.2 and 1 more transcripts); c.218G>A, p.Ser73Asn (NM_001354898.2, NM_001354904.2, NM_001407451.1); c.116G>A, p.Ser39Asn (NM_001354900.2, NM_001354901.2, NM_001354905.2 and 1 more transcripts); c.-743G>A (NM_001354906.2, NM_001407470.1, NM_001407471.1 and 1 more transcripts); short protein forms S39N, S98N, S73N, S108N.
Identifiers: ClinVar variation 2042761 (VCV002042761.4), dbSNP rs1580328371, ClinGen allele CA16021970.

ClinVar aggregate classification (germline): Uncertain significance (1 of 4 stars; one submission).

Conditions:
Familial adenomatous polyposis 1 (FAP1). Also called: FAMILIAL ADENOMATOUS POLYPOSIS 1, ATTENUATED; POLYPOSIS, ADENOMATOUS INTESTINAL. Identifiers: MedGen C2713442, MONDO:0021056, OMIM 175100. Disease mechanism: loss of function.

Submission:

Labcorp Genetics (formerly Invitae), Labcorp
Classification: Uncertain significance for Familial adenomatous polyposis 1. Last evaluated: 2021-12-14. Review status: criteria provided, single submitter. Criteria: Invitae Variant Classification Sherloc (09022015). Collection method: clinical testing. Allele origin: germline.
Comment: This sequence change replaces serine, which is neutral and polar, with asparagine, which is neutral and polar, at codon 98 of the APC protein (p.Ser98Asn). This variant is not present in population databases (gnomAD no frequency). This variant has not been reported in the literature in individuals affected with APC-related conditions. Algorithms developed to predict the effect of missense changes on protein structure and function are either unavailable or do not agree on the potential impact of this missense change (SIFT: "Tolerated"; PolyPhen-2: "Possibly Damaging"; Align-GVGD: "Class C0"). In summary, the available evidence is currently insufficient to determine the role of this variant in disease. Therefore, it has been classified as a Variant of Uncertain Significance.